The following is an entry in ClinVar:

ClinVar aggregate classification (germline): Pathogenic (1 of 4 stars; one submission).

Conditions:
Glucose-6-phosphate transport defect (GSD1B). Also called: Glycogen Storage Disease Type Ib; GSD Ib. Identifiers: Orphanet 364, Orphanet 79259, MedGen C0268146, MONDO:0009288, OMIM 232220.

Submission:

Labcorp Genetics (formerly Invitae), Labcorp
Classification: Pathogenic for Glucose-6-phosphate transport defect. Last evaluated: 2020-10-08. Review status: criteria provided, single submitter. Criteria: Invitae Variant Classification Sherloc (09022015). Collection method: clinical testing. Allele origin: germline.
Comment: For these reasons, this variant has been classified as Pathogenic. Loss-of-function variants in SLC37A4 are known to be pathogenic (PMID: 9758626, 10940311). This variant has not been reported in the literature in individuals with SLC37A4-related conditions. This variant is a gross deletion of the genomic region encompassing exon(s) 3 of the SLC37A4 gene, which includes the initiator codon. The 5' end of this event is unknown as it extends beyond the assayed region for this gene and therefore may encompass additional genes. The 3' boundary is likely confined to intron 3 of the SLC37A4 gene. This is expected to result in an absent or disrupted protein product.

Literature cited by the submitters: PubMed 9758626; PubMed 10940311.

NC_000011.9:g.(?_118899922)_(118900089_?)del

Gene: SLC37A4 (solute carrier family 37 member 4; minus strand). Cytogenetic location: 11q23.3.
Variant type: Deletion.
Identifiers: ClinVar variation 1068726 (VCV001068726.5).